The following is an entry in ClinVar:

NM_177559.3(CSNK2A1):c.224dup (p.Lys76fs)

Gene: CSNK2A1 (casein kinase 2 alpha 1; minus strand). Cytogenetic location: 20p13.
Variant type: Duplication.
Coding change: c.224dup on transcript NM_177559.3 (MANE Select); coding-DNA position 224, one base duplicated (A; older notation c.224dupA).
Protein change: p.Lys76fs; shifts the reading frame from lysine 76.
Molecular consequence: frameshift variant. On other transcripts: 5 prime UTR variant (1).
Genome position (GRCh38, 1-based): chr20:499,924, T duplicated on the plus strand (A on the coding strand, the reverse complement: CSNK2A1 is on the minus strand); the first of 6 consecutive T bases (chr20:499,924-499,929); duplicating any one gives the same sequence. VCF-style (leftmost placement, unchanged base first): chr20-499923-C-CT. GRCh37 (hg19) VCF-style: chr20-480567-C-CT.
Other names: NM_177560.3:c.-185dup; c.224dup, p.Lys76fs (NM_001362770.2, NM_001362771.2, NM_001895.4); c.-185dup (NM_177560.3); c.224dup (NM_001895.3); short protein forms K76fs.
Identifiers: ClinVar variation 3385354 (VCV003385354.3).

ClinVar aggregate classification (germline): Pathogenic. Review status: criteria provided, multiple submitters, no conflicts (2 of 4 stars). 2 submissions from 2 submitters: Pathogenic (2). Last evaluated 2026-10-14.

Conditions:
Okur-Chung neurodevelopmental syndrome (OCNDS). Identifiers: Orphanet 689422, MedGen C4310739, MONDO:0014893, OMIM 617062.

Submissions (2):

GeneDx
Classification: Pathogenic. Last evaluated: 2026-10-14. Review status: criteria provided, single submitter. Criteria: GeneDx Variant Classification Process June 2021. Collection method: clinical testing. Allele origin: germline.
Comment: Frameshift variant predicted to result in protein truncation or nonsense mediated decay in a gene for which loss of function is a known mechanism of disease; Not observed at significant frequency in large population cohorts (gnomAD); Has not been previously published as pathogenic or benign to our knowledge

Broad Center for Mendelian Genomics, Broad Institute of MIT and Harvard
Classification: Pathogenic for Okur-Chung neurodevelopmental syndrome. Last evaluated: 2024-12-11. Review status: criteria provided, single submitter. Criteria: ACMG Guidelines, 2015. Collection method: curation. Allele origin: germline. Inheritance: Autosomal dominant inheritance. Study: GREGoR Consortium.
Comment: Trio exome analysis showed this variant to be de novo. The p.Lys76GlufsTer4 variant in CSNK2A1 has not been previously reported in the literature in individuals with epilepsy syndrome, and was absent from large population studies. This variant is predicted to cause a frameshift, which alters the protein’s amino acid sequence beginning at position 76 and leads to a premature termination codon 4 amino acids downstream. This alteration is then predicted to lead to a truncated or absent protein. Loss of function of the CSNK2A1 gene is an established disease mechanism in autosomal recessive epilepsy syndrome. In summary, this variant meets criteria to be classified as pathogenic for autosomal dominant Okur-Chung neurodevelopmental syndrome. ACMG/AMP Criteria applied: PVS1, PM2_supporting, PS2_supporting (Richards 2015).